The following is an entry in ClinVar:

NM_006904.7(PRKDC):c.3984A>C (p.Glu1328Asp)

Gene: PRKDC (protein kinase, DNA-activated, catalytic subunit; minus strand). Cytogenetic location: 8q11.21.
Variant type: single nucleotide variant.
Coding change: c.3984A>C on transcript NM_006904.7 (MANE Select); coding-DNA position 3984, A replaced by C.
Protein change: p.Glu1328Asp; replaces glutamic acid 1328 with aspartic acid.
Molecular consequence: missense variant.
Genome position (GRCh38, 1-based): chr8:47,890,344, T>G on the plus strand (A>C on the coding strand, the complement: PRKDC is on the minus strand). VCF-style: chr8-47890344-T-G. GRCh37 (hg19) VCF-style: chr8-48802905-T-G.
Other names: c.3984A>C, p.Glu1328Asp (NM_001081640.2); short protein forms E1328D.
Identifiers: ClinVar variation 3225852 (VCV003225852.1), dbSNP rs2089433767, ClinGen allele CA371148621.

ClinVar aggregate classification (germline): Uncertain significance (1 of 4 stars; one submission).

Submission:

Ambry Genetics
Classification: Uncertain significance. Last evaluated: 2023-11-15. Review status: criteria provided, single submitter. Criteria: Ambry Variant Classification Scheme 2023. Collection method: clinical testing. Allele origin: germline.
Comment: The p.E1328D variant (also known as c.3984A>C), located in coding exon 32 of the PRKDC gene, results from an A to C substitution at nucleotide position 3984. The glutamic acid at codon 1328 is replaced by aspartic acid, an amino acid with highly similar properties. This amino acid position is conserved. Since supporting evidence is limited at this time, the clinical significance of this alteration remains unclear.